The following is an entry in ClinVar:

NM_001040108.2(MLH3):c.737A>G (p.Asn246Ser)

Gene: MLH3 (mutL homolog 3; minus strand). Cytogenetic location: 14q24.3.
Variant type: single nucleotide variant.
Coding change: c.737A>G on transcript NM_001040108.2 (MANE Select); coding-DNA position 737, A replaced by G.
Protein change: p.Asn246Ser; replaces asparagine 246 with serine.
Molecular consequence: missense variant.
Genome position (GRCh38, 1-based): chr14:75,048,919, T>C on the plus strand (A>G on the coding strand, the complement: MLH3 is on the minus strand). VCF-style: chr14-75048919-T-C. GRCh37 (hg19) VCF-style: chr14-75515622-T-C.
Other names: c.737A>G, p.Asn246Ser (NM_014381.3); short protein forms N246S.
Identifiers: ClinVar variation 2448655 (VCV002448655.2), dbSNP rs2503318274, ClinGen allele CA390449350.

ClinVar aggregate classification (germline): Uncertain significance (1 of 4 stars; one submission).

Submission:

Ambry Genetics
Classification: Uncertain significance. Last evaluated: 2023-01-26. Review status: criteria provided, single submitter. Criteria: Ambry Variant Classification Scheme 2023. Collection method: clinical testing. Allele origin: germline.
Comment: The p.N246S variant (also known as c.737A>G), located in coding exon 1 of the MLH3 gene, results from an A to G substitution at nucleotide position 737. The asparagine at codon 246 is replaced by serine, an amino acid with highly similar properties. This amino acid position is conserved. In addition, this alteration is predicted to be tolerated by in silico analysis. The evidence for this gene-disease relationship is limited; therefore, the clinical significance of this alteration is unclear.